The following is an entry in ClinVar:

ClinVar aggregate classification (germline): Likely benign (1 of 4 stars; one submission).

gnomAD v4.1: 1 of 1,612,942 alleles (0.000062%); no homozygotes.

Submission:

CeGaT Center for Human Genetics Tuebingen
Classification: Likely benign. Last evaluated: 2025-11-01. Review status: criteria provided, single submitter. Criteria: CeGaT Center For Human Genetics Tuebingen Variant Classification Criteria Version 2. Collection method: clinical testing. Allele origin: germline. Affected: yes. Observed: 1 variant allele.
Comment: TNXB: BP4, BP7

NM_001365276.2(TNXB):c.1857C>G (p.Arg619=)

Gene: TNXB (tenascin XB; minus strand). Cytogenetic location: 6p21.33.
Variant type: single nucleotide variant.
Coding change: c.1857C>G on transcript NM_001365276.2 (MANE Select); coding-DNA position 1857, C replaced by G.
Protein change: p.Arg619=; no amino-acid change (arginine 619 retained).
Molecular consequence: synonymous variant.
Genome position (GRCh38, 1-based): chr6:32,095,996, G>C on the plus strand (C>G on the coding strand, the complement: TNXB is on the minus strand). VCF-style: chr6-32095996-G-C. GRCh37 (hg19) VCF-style: chr6-32063773-G-C.
Other names: c.1857C>G, p.Arg619= (NM_001428335.1, NM_019105.8).
Identifiers: ClinVar variation 4535369 (VCV004535369.6).